The following is an entry in ClinVar:

NM_004415.4(DSP):c.522T>A (p.Cys174Ter)

Gene: DSP (desmoplakin; plus strand). Cytogenetic location: 6p24.3.
Variant type: single nucleotide variant.
Coding change: c.522T>A on transcript NM_004415.4 (MANE Select); coding-DNA position 522, T replaced by A.
Protein change: p.Cys174Ter; replaces cysteine 174 with a stop codon.
Molecular consequence: nonsense.
Genome position (GRCh38, 1-based): chr6:7,559,325, T>A. VCF-style: chr6-7559325-T-A. GRCh37 (hg19) VCF-style: chr6-7559558-T-A.
Other names: c.522T>A, p.Cys174Ter (NM_001008844.3, NM_001319034.2); short protein forms C174*.
Identifiers: ClinVar variation 1435272 (VCV001435272.6), dbSNP rs144781697, ClinGen allele CA362672541.
Genomic context (GRCh38, chr6:7,559,325, plus strand): 5'-AGCCATCAGTGTCCCTCGAGTCCGCAGGGCCAGCTCCAAGGGTGGTGGAGGCTACACTTG[T>A]CAGAGTGGCTCTGGCTGGGATGAGTTCACCAAACATGTCACCAGTGAATGTTTGGGGTGG-3'

ClinVar aggregate classification (germline): Pathogenic (1 of 4 stars; one submission).

Conditions:
Arrhythmogenic right ventricular dysplasia 8 (ARVD8). Also called: Arrhythmogenic Right Ventricular Dysplasia/Cardiomyopathy 8; ARRHYTHMOGENIC RIGHT VENTRICULAR DYSPLASIA, FAMILIAL, 8; ARRHYTHMOGENIC RIGHT VENTRICULAR CARDIOMYOPATHY 8. Identifiers: MedGen C1843896, MONDO:0011831, OMIM 607450.
Arrhythmogenic cardiomyopathy with wooly hair and keratoderma. Also called: Dilated cardiomyopathy with woolly hair and keratoderma; Carvajal syndrome; Arrhythmogenic cardiomyopathy with woolly hair and keratoderma; PALMOPLANTAR KERATODERMA WITH LEFT VENTRICULAR CARDIOMYOPATHY AND WOOLLY HAIR. Identifiers: Orphanet 65282, MedGen C1854063, MONDO:0011581, OMIM 605676.

Submission:

Labcorp Genetics (formerly Invitae), Labcorp
Classification: Pathogenic for Arrhythmogenic cardiomyopathy with wooly hair and keratoderma; Arrhythmogenic right ventricular dysplasia 8. Last evaluated: 2021-10-12. Review status: criteria provided, single submitter. Criteria: Invitae Variant Classification Sherloc (09022015). Collection method: clinical testing. Allele origin: germline.
Comment: This variant is not present in population databases (ExAC no frequency). This sequence change creates a premature translational stop signal (p.Cys174*) in the DSP gene. It is expected to result in an absent or disrupted protein product. Loss-of-function variants in DSP are known to be pathogenic (PMID: 20716751, 24503780, 25227139). This variant has not been reported in the literature in individuals affected with DSP-related conditions. For these reasons, this variant has been classified as Pathogenic.

Literature cited by the submitters: PubMed 20716751; PubMed 24503780; PubMed 25227139.